The following is an entry in ClinVar:

ClinVar aggregate classification (germline): Likely pathogenic (1 of 4 stars; one submission).

Conditions:
Phenylketonuria (PKU). Also called: FOLLING DISEASE; Phenylketonuria (PKU); OLIGOPHRENIA PHENYLPYRUVICA; Phenylketonurias. Identifiers: Orphanet 716, MedGen C0031485, MONDO:0009861, OMIM 261600. Disease mechanism: loss of function.

gnomAD v4.1: 1 of 1,613,816 alleles (0.000062%); highest among the groups gnomAD compares: African/African-American, 0.0013%; no homozygotes.

Submission:

Labcorp Genetics (formerly Invitae), Labcorp
Classification: Likely pathogenic for Phenylketonuria. Last evaluated: 2024-02-23. Review status: criteria provided, single submitter. Criteria: Invitae Variant Classification Sherloc (09022015). Collection method: clinical testing. Allele origin: germline.
Comment: This sequence change replaces aspartic acid, which is acidic and polar, with asparagine, which is neutral and polar, at codon 84 of the PAH protein (p.Asp84Asn). This variant is not present in population databases (gnomAD no frequency). This missense change has been observed in individual(s) with hyperphenylalaninemia (Invitae). In at least one individual the data is consistent with being in trans (on the opposite chromosome) from a pathogenic variant. It has also been observed to segregate with disease in related individuals. Advanced modeling of protein sequence and biophysical properties (such as structural, functional, and spatial information, amino acid conservation, physicochemical variation, residue mobility, and thermodynamic stability) performed at Invitae indicates that this missense variant is not expected to disrupt PAH protein function with a negative predictive value of 80%. This variant disrupts the p.Asp84 amino acid residue in PAH. Other variant(s) that disrupt this residue have been determined to be pathogenic (PMID: 32668217). This suggests that this residue is clinically significant, and that variants that disrupt this residue are likely to be disease-causing. In summary, the currently available evidence indicates that the variant is pathogenic, but additional data are needed to prove that conclusively. Therefore, this variant has been classified as Likely Pathogenic.

Literature cited by the submitters: PubMed 32668217.

NM_000277.3(PAH):c.250G>A (p.Asp84Asn)

Gene: PAH (phenylalanine hydroxylase; minus strand). Cytogenetic location: 12q23.2.
Variant type: single nucleotide variant.
Coding change: c.250G>A on transcript NM_000277.3 (MANE Select); coding-DNA position 250, G replaced by A.
Protein change: p.Asp84Asn; replaces aspartic acid 84 with asparagine.
Molecular consequence: missense variant.
Genome position (GRCh38, 1-based): chr12:102,894,837, C>T on the plus strand (G>A on the coding strand, the complement: PAH is on the minus strand). VCF-style: chr12-102894837-C-T. GRCh37 (hg19) VCF-style: chr12-103288615-C-T.
Other names: c.250G>A, p.Asp84Asn (NM_001354304.2); short protein forms D84N.
Identifiers: ClinVar variation 2829441 (VCV002829441.3), dbSNP rs62514902, ClinGen allele CA386304125.